The following is an entry in ClinVar:

ClinVar aggregate classification (germline): Benign (1 of 4 stars; one submission).

Allele frequency attached by ClinVar (database versions not stated): 1000 Genomes Project 30x 0.02249; 1000 Genomes Project 0.02256; TOPMed 0.04005; gnomAD 0.04187 and 0.04270.
gnomAD v4.1: 6,351 of 152,162 alleles (4.2%); highest among the groups gnomAD compares: Non-Finnish European, 6.1%; 188 homozygotes.

Submission:

GeneDx
Classification: Benign. Last evaluated: 2018-06-19. Review status: criteria provided, single submitter. Criteria: GeneDx Variant Classification (06012015). Collection method: clinical testing. Allele origin: germline. Affected: yes.
Comment: This variant is considered likely benign or benign based on one or more of the following criteria: it is a conservative change, it occurs at a poorly conserved position in the protein, it is predicted to be benign by multiple in silico algorithms, and/or has population frequency not consistent with disease.

NM_003640.5(ELP1):c.2015-328G>A

Gene: ELP1 (elongator acetyltransferase complex subunit 1; minus strand). Cytogenetic location: 9q31.3.
Variant type: single nucleotide variant.
Coding change: c.2015-328G>A on transcript NM_003640.5 (MANE Select); 328 bases into the intron before coding-DNA position 2015, G replaced by A.
Molecular consequence: intron variant.
Genome position (GRCh38, 1-based): chr9:108,900,703, C>T on the plus strand (G>A on the coding strand, the complement: ELP1 is on the minus strand). VCF-style: chr9-108900703-C-T. GRCh37 (hg19) VCF-style: chr9-111662983-C-T.
Other names: c.1673-328G>A (NM_001318360.2); c.968-328G>A (NM_001330749.2).
Identifiers: ClinVar variation 671959 (VCV000671959.1), dbSNP rs117660102, ClinGen allele CA197537187.